The following is an entry in ClinVar:

ClinVar aggregate classification (germline): Uncertain significance (1 of 4 stars; one submission).

Submission:

Labcorp Genetics (formerly Invitae), Labcorp
Classification: Uncertain significance. Last evaluated: 2024-07-12. Review status: criteria provided, single submitter. Criteria: Invitae Variant Classification Sherloc (09022015). Collection method: clinical testing. Allele origin: germline.
Comment: This sequence change replaces aspartic acid, which is acidic and polar, with valine, which is neutral and non-polar, at codon 553 of the BRWD3 protein (p.Asp553Val). This variant is not present in population databases (gnomAD no frequency). This variant has not been reported in the literature in individuals affected with BRWD3-related conditions. Advanced modeling of protein sequence and biophysical properties (such as structural, functional, and spatial information, amino acid conservation, physicochemical variation, residue mobility, and thermodynamic stability) performed at Invitae indicates that this missense variant is expected to disrupt BRWD3 protein function with a positive predictive value of 80%. In summary, the available evidence is currently insufficient to determine the role of this variant in disease. Therefore, it has been classified as a Variant of Uncertain Significance.

NM_153252.5(BRWD3):c.1658A>T (p.Asp553Val)

Gene: BRWD3 (bromodomain and WD repeat domain containing 3; minus strand). Cytogenetic location: Xq21.1.
Variant type: single nucleotide variant.
Coding change: c.1658A>T on transcript NM_153252.5 (MANE Select); coding-DNA position 1658, A replaced by T.
Protein change: p.Asp553Val; replaces aspartic acid 553 with valine.
Molecular consequence: missense variant.
Genome position (GRCh38, 1-based): chrX:80,722,780, T>A on the plus strand (A>T on the coding strand, the complement: BRWD3 is on the minus strand). VCF-style: chrX-80722780-T-A. GRCh37 (hg19) VCF-style: chrX-79978279-T-A.
Other names: short protein forms D553V.
Identifiers: ClinVar variation 3656060 (VCV003656060.2).